The following is an entry in ClinVar:

ClinVar aggregate classification (germline): Uncertain significance (1 of 4 stars; one submission).

Conditions:
Progressive sclerosing poliodystrophy (MTDPS4A). Also called: Mitochondrial DNA depletion syndrome 4A (Alpers type); ALPERS DIFFUSE DEGENERATION OF CEREBRAL GRAY MATTER WITH HEPATIC CIRRHOSIS; Alpers-Huttenlocher Syndrome; Mitochondrial DNA Depletion Syndrome 4A; Alpers-Huttenlocher Syndrome (AHS); ALPERS PROGRESSIVE INFANTILE POLIODYSTROPHY. Identifiers: Orphanet 726, MedGen C0205710, MONDO:0008758, OMIM 203700.

Submission:

Labcorp Genetics (formerly Invitae), Labcorp
Classification: Uncertain significance for Progressive sclerosing poliodystrophy. Last evaluated: 2025-08-04. Review status: criteria provided, single submitter. Criteria: Invitae Variant Classification Sherloc (09022015). Collection method: clinical testing. Allele origin: germline.
Comment: This sequence change falls in intron 12 of the POLG gene. It does not directly change the encoded amino acid sequence of the POLG protein. This variant is not present in population databases (gnomAD no frequency). This variant has not been reported in the literature in individuals affected with POLG-related conditions. Algorithms developed to predict the effect of sequence changes on RNA splicing suggest that this variant may disrupt the consensus splice site. In summary, the available evidence is currently insufficient to determine the role of this variant in disease. Therefore, it has been classified as a Variant of Uncertain Significance.

NM_002693.3(POLG):c.2158-14T>G

Gene: POLG (DNA polymerase gamma, catalytic subunit; minus strand). Cytogenetic location: 15q26.1.
Variant type: single nucleotide variant.
Coding change: c.2158-14T>G on transcript NM_002693.3 (MANE Select); 14 bases into the intron before coding-DNA position 2158, T replaced by G.
Molecular consequence: intron variant.
Genome position (GRCh38, 1-based): chr15:89,323,525, A>C on the plus strand (T>G on the coding strand, the complement: POLG is on the minus strand). VCF-style: chr15-89323525-A-C. GRCh37 (hg19) VCF-style: chr15-89866756-A-C.
Other names: c.2158-14T>G (NM_001126131.2).
Identifiers: ClinVar variation 4750482 (VCV004750482.1).
Genomic context (GRCh38, chr15:89,323,525, plus strand): 5'-CCATGGTGATAGCTGGGCTGGGTGTCCTTGGGGCCACCACGGGCAGTCTGTGAGGGCCAC[A>C]CACCTATATCAGGCCCTGCTCCAGCACCTGCATTCAGCAAGGGCCATGGGGTAGGGGGTG-3'